The following is an entry in ClinVar:

ClinVar aggregate classification (germline): Benign/Likely benign. Review status: criteria provided, multiple submitters, no conflicts (2 of 4 stars). 2 submissions from 2 submitters: Benign (1); Likely benign (1). Last evaluated 2024-06-30.

Conditions:
Familial cancer of breast. Also called: BREAST CANCER, FAMILIAL; Hereditary breast cancer; hereditary breast carcinoma. Identifiers: Orphanet 227535, MedGen C0346153, MONDO:0016419, OMIM 114480. Disease mechanism: loss of function.
Hereditary cancer-predisposing syndrome. Also called: Hereditary Cancer Syndrome; Tumor predisposition; Hereditary neoplastic syndrome; Neoplastic Syndromes, Hereditary. Identifiers: Orphanet 140162, MedGen C0027672, MeSH D009386, MONDO:0015356.

Submissions (2):

Ambry Genetics
Classification: Likely benign for Hereditary cancer-predisposing syndrome. Last evaluated: 2024-06-30. Review status: criteria provided, single submitter. Criteria: Ambry Variant Classification Scheme 2023. Collection method: clinical testing. Allele origin: germline.

Myriad Genetics, Inc.
Classification: Benign for Familial cancer of breast. Last evaluated: 2024-04-22. Review status: criteria provided, single submitter. Criteria: Myriad Autosomal Dominant, Autosomal Recessive and X-Linked Classification Criteria (2023). Collection method: clinical testing. Allele origin: unknown.
Comment: This variant is considered benign. This variant is a silent/synonymous amino acid change and it is not expected to impact splicing.

NM_000051.4(ATM):c.603G>A (p.Gln201=)

Gene: ATM (ATM serine/threonine kinase; plus strand). Cytogenetic location: 11q22.3.
Variant type: single nucleotide variant.
Coding change: c.603G>A on transcript NM_000051.4 (MANE Select); coding-DNA position 603, G replaced by A.
Protein change: p.Gln201=; no amino-acid change (glutamine 201 retained).
Molecular consequence: synonymous variant.
Genome position (GRCh38, 1-based): chr11:108,244,059, G>A. VCF-style: chr11-108244059-G-A. GRCh37 (hg19) VCF-style: chr11-108114786-G-A.
Other names: c.603G>A, p.Gln201= (NM_001351834.2).
Identifiers: ClinVar variation 3254080 (VCV003254080.2), dbSNP rs2135225401.